The following is an entry in ClinVar:

ClinVar aggregate classification (germline): Uncertain significance (1 of 4 stars; one submission).

Conditions:
EGFR-related lung cancer (EGFR). Identifiers: MedGen CN130014.

Submission:

Labcorp Genetics (formerly Invitae), Labcorp
Classification: Uncertain significance for EGFR-related lung cancer. Last evaluated: 2022-06-07. Review status: criteria provided, single submitter. Criteria: Invitae Variant Classification Sherloc (09022015). Collection method: clinical testing. Allele origin: germline.
Comment: This sequence change replaces tyrosine, which is neutral and polar, with isoleucine, which is neutral and non-polar, at codon 117 of the EGFR protein (p.Tyr117Ile). Information on the frequency of this variant in the gnomAD database is not available, as this variant may be reported differently in the database. This variant has not been reported in the literature in individuals affected with EGFR-related conditions. Algorithms developed to predict the effect of missense changes on protein structure and function are either unavailable or do not agree on the potential impact of this missense change (SIFT: "Not Available"; PolyPhen-2: "Benign"; Align-GVGD: "Not Available"). In summary, the available evidence is currently insufficient to determine the role of this variant in disease. Therefore, it has been classified as a Variant of Uncertain Significance.

NM_005228.5(EGFR):c.349_350delinsAT (p.Tyr117Ile)

Gene: EGFR (epidermal growth factor receptor; plus strand). Cytogenetic location: 7p11.2.
Variant type: Indel.
Coding change: c.349_350delinsAT on transcript NM_005228.5 (MANE Select); coding-DNA positions 349 to 350, TA replaced by AT.
Protein change: p.Tyr117Ile; replaces tyrosine 117 with isoleucine.
Molecular consequence: missense variant. On other transcripts: intron variant (1).
Genome position (GRCh38, 1-based): chr7:55,143,413-55,143,414, TA replaced by AT. VCF-style: chr7-55143413-TA-AT. GRCh37 (hg19) VCF-style: chr7-55211106-TA-AT.
Other names: c.349_350delinsAT, p.Tyr117Ile (NM_001346897.2, NM_001346898.2, NM_001346899.2 and 3 more transcripts); c.190_191delinsAT, p.Tyr64Ile (NM_001346900.2); c.89-12417_89-12416delinsAT (NM_001346941.2); short protein forms Y117I, Y64I.
Identifiers: ClinVar variation 2002620 (VCV002002620.4), dbSNP rs2535448410, ClinGen allele CA2580077238.
Genomic context (GRCh38, chr7:55,143,413, plus strand): 5'-GAGCGAATTCCTTTGGAAAACCTGCAGATCATCAGAGGAAATATGTACTACGAAAATTCC[TA>AT]TGCCTTAGCAGTCTTATCTAACTATGATGCAAATAAAACCGGACTGAAGGAGCTGCCCAT-3'
Protein context (NP_005219.2, residues 107-127): IRGNMYYENS[Tyr117Ile]ALAVLSNYDA